The following is an entry in ClinVar:

ClinVar aggregate classification (germline): Uncertain significance (1 of 4 stars; one submission).

Conditions:
SEMA3G-related disorder. Also called: SEMA3G-related condition.

Allele frequency attached by ClinVar (database versions not stated): ExAC 0.00002; gnomAD 0.00004; TOPMed 0.00005.

Submission:

PreventionGenetics, part of Exact Sciences
Classification: Uncertain significance for SEMA3G-related condition. Last evaluated: 2026-07-13. Review status: criteria provided, single submitter. Criteria: ACMG Guidelines, 2015. Collection method: clinical testing. Allele origin: germline.
Comment: The SEMA3G c.615T>G variant is predicted to result in the amino acid substitution p.Ser205Arg. To our knowledge, this variant has not been reported in the literature. This variant is reported in 0.0070% of alleles in individuals of European (Non-Finnish) descent in gnomAD. At this time, the clinical significance of this variant is uncertain due to the absence of conclusive functional and genetic evidence.

NM_020163.3(SEMA3G):c.615T>G (p.Ser205Arg)

Gene: SEMA3G (semaphorin 3G; minus strand). Cytogenetic location: 3p21.1.
Variant type: single nucleotide variant.
Coding change: c.615T>G on transcript NM_020163.3 (MANE Select); coding-DNA position 615, T replaced by G.
Protein change: p.Ser205Arg; replaces serine 205 with arginine.
Molecular consequence: missense variant.
Genome position (GRCh38, 1-based): chr3:52,441,626, A>C on the plus strand (T>G on the coding strand, the complement: SEMA3G is on the minus strand). VCF-style: chr3-52441626-A-C. GRCh37 (hg19) VCF-style: chr3-52475642-A-C.
Other names: short protein forms S205R.
Identifiers: ClinVar variation 3054594 (VCV003054594.3), dbSNP rs771718009, ClinGen allele CA2438274.
Genomic context (GRCh38, chr3:52,441,626, plus strand): 5'-GGCCTCACCGTGCAAGAGACTCTGGTCAGAGTCGGAACGCAGAGCTGGCCGAGGACCTCC[A>C]CTTCGGAAGATCATGGCCTCTCGCCCCAGGAAGTCAGCAGTGAGACCCGTGTACAGCTCC-3'
Protein context (NP_064548.1, residues 195-215): FLGREAMIFR[Ser205Arg]GGPRPALRSD